The following is an entry in ClinVar:

ClinVar aggregate classification (germline): Pathogenic. Review status: criteria provided, multiple submitters, no conflicts (2 of 4 stars). 2 submissions from 2 submitters: Pathogenic (2). Last evaluated 2024-03-26.

Conditions:
Pheochromocytoma/paraganglioma syndrome 3. Also called: GLOMUS TUMORS, FAMILIAL, 3; Paragangliomas 3; SDHC-Related Hereditary Paraganglioma-Pheochromocytoma Syndrome (Paragangliomas 3); SDHC-Related Hereditary Paraganglioma-Pheochromocytoma Syndrome. Identifiers: Orphanet 29072, MedGen C1854336, MONDO:0011544, OMIM 605373.

Submissions (2):

Genomic Medicine Center of Excellence, King Faisal Specialist Hospital and Research Centre
Classification: Pathogenic for Pheochromocytoma/paraganglioma syndrome 3. Last evaluated: 2024-03-26. Review status: criteria provided, single submitter. Criteria: ACMG Guidelines, 2015. Collection method: clinical testing. Allele origin: germline.

Myriad Genetics, Inc.
Classification: Pathogenic for Pheochromocytoma/paraganglioma syndrome 3. Last evaluated: 2023-01-17. Review status: criteria provided, single submitter. Criteria: Myriad Autosomal Dominant, Autosomal Recessive and X-Linked Classification Criteria (2023). Collection method: clinical testing. Allele origin: unknown.
Comment: This variant is considered pathogenic. This variant creates a frameshift predicted to result in premature protein truncation.

NM_003001.5(SDHC):c.49del (p.His17fs)

Gene: SDHC (succinate dehydrogenase complex subunit C; plus strand). Cytogenetic location: 1q23.3.
Variant type: Deletion.
Coding change: c.49del on transcript NM_003001.5 (MANE Select); coding-DNA position 49, one base deleted (C; older notation c.49delC).
Protein change: p.His17fs; shifts the reading frame from histidine 17.
Molecular consequence: frameshift variant. On other transcripts: 5 prime UTR variant (2), non-coding transcript variant (1), intron variant (4).
Genome position (GRCh38, 1-based): chr1:161,323,642, C deleted; the last of 3 consecutive C bases (chr1:161,323,640-161,323,642); deleting any one gives the same sequence. VCF-style (leftmost placement, unchanged base first): chr1-161323639-GC-G. GRCh37 (hg19) VCF-style: chr1-161293429-GC-G.
Other names: c.49del, p.His17fs (NM_001035511.3, NM_001035512.3, NM_001278172.3 and 2 more transcripts); c.-63del (NM_001407119.1); c.-181del (NM_001407120.1); c.21-4754del (NM_001407116.1, NM_001407121.1, NM_001407117.1); c.20+9217del (NM_001035513.3); short protein forms H17fs.
Identifiers: ClinVar variation 2442323 (VCV002442323.2), dbSNP rs758528026, ClinGen allele CA048025.